The following is an entry in ClinVar:

ClinVar aggregate classification (germline): Uncertain significance (1 of 4 stars; one submission).

Submission:

Labcorp Genetics (formerly Invitae), Labcorp
Classification: Uncertain significance. Last evaluated: 2025-06-24. Review status: criteria provided, single submitter. Criteria: Invitae Variant Classification Sherloc (09022015). Collection method: clinical testing. Allele origin: germline.
Comment: This sequence change replaces glycine, which is neutral and non-polar, with arginine, which is basic and polar, at codon 979 of the COL4A3 protein (p.Gly979Arg). This variant is not present in population databases (gnomAD no frequency). This variant has not been reported in the literature in individuals affected with COL4A3-related conditions. Invitae Evidence Modeling of protein sequence and biophysical properties (such as structural, functional, and spatial information, amino acid conservation, physicochemical variation, residue mobility, and thermodynamic stability) indicates that this missense variant is expected to disrupt COL4A3 protein function with a positive predictive value of 80%. In summary, the available evidence is currently insufficient to determine the role of this variant in disease. Therefore, it has been classified as a Variant of Uncertain Significance.

NM_000091.5(COL4A3):c.2935G>C (p.Gly979Arg)

Genes: COL4A3 (collagen type IV alpha 3 chain; plus strand), MFF-DT (MFF divergent transcript; minus strand). Cytogenetic location: 2q36.3.
Variant type: single nucleotide variant.
Coding change: c.2935G>C on transcript NM_000091.5 (MANE Select); coding-DNA position 2935, G replaced by C.
Protein change: p.Gly979Arg; replaces glycine 979 with arginine.
Molecular consequence: missense variant.
Genome position (GRCh38, 1-based): chr2:227,289,203, G>C. VCF-style: chr2-227289203-G-C. GRCh37 (hg19) VCF-style: chr2-228153919-G-C.
Other names: short protein forms G979R.
Identifiers: ClinVar variation 4800367 (VCV004800367.1).
Genomic context (GRCh38, chr2:227,289,203, plus strand): 5'-ACTTCAGGATTCGCAGGAAATCCAGGTGAGAAAGGAAACAGAGGCGTTCCAGGGATGCCA[G>C]GTTTAAAGGGCCTCAAAGGACTACCCGGACCAGCAGGACCACCAGGTACAGCTGATTCTC-3'
Protein context (NP_000082.2, residues 969-989): KGNRGVPGMP[Gly979Arg]LKGLKGLPGP